The following is an entry in ClinVar:

NM_002906.4(RDX):c.835C>T (p.Arg279Trp)

Gene: RDX (radixin; minus strand). Cytogenetic location: 11q22.3.
Variant type: single nucleotide variant.
Coding change: c.835C>T on transcript NM_002906.4 (MANE Select); coding-DNA position 835, C replaced by T.
Protein change: p.Arg279Trp; replaces arginine 279 with tryptophan.
Molecular consequence: missense variant. On other transcripts: intron variant (2).
Genome position (GRCh38, 1-based): chr11:110,254,070, G>A on the plus strand (C>T on the coding strand, the complement: RDX is on the minus strand). VCF-style: chr11-110254070-G-A. GRCh37 (hg19) VCF-style: chr11-110124795-G-A.
Other names: c.835C>T, p.Arg279Trp (NM_001260492.2, NM_001260493.2); c.427C>T, p.Arg143Trp (NM_001260494.2); c.-82-6237C>T (NM_001260495.2); c.404+4087C>T (NM_001260496.2); short protein forms R143W, R279W.
Identifiers: ClinVar variation 3608878 (VCV003608878.2).

ClinVar aggregate classification (germline): Uncertain significance (1 of 4 stars; one submission).

gnomAD v4.1: 24 of 1,613,390 alleles (0.0015%); highest among the groups gnomAD compares: South Asian, 0.0077%; no homozygotes.

Submission:

Labcorp Genetics (formerly Invitae), Labcorp
Classification: Uncertain significance. Last evaluated: 2025-03-05. Review status: criteria provided, single submitter. Criteria: Invitae Variant Classification Sherloc (09022015). Collection method: clinical testing. Allele origin: germline.
Comment: This sequence change replaces arginine, which is basic and polar, with tryptophan, which is neutral and slightly polar, at codon 279 of the RDX protein (p.Arg279Trp). This variant is present in population databases (rs17854426, gnomAD 0.01%). This variant has not been reported in the literature in individuals affected with RDX-related conditions. An algorithm developed to predict the effect of missense changes on protein structure and function (PolyPhen-2) suggests that this variant is likely to be tolerated. In summary, the available evidence is currently insufficient to determine the role of this variant in disease. Therefore, it has been classified as a Variant of Uncertain Significance.